The following is an entry in ClinVar:

ClinVar aggregate classification (germline): Uncertain significance (1 of 4 stars; one submission).

Conditions:
TRMU-related disorder. Also called: TRMU-related condition.

gnomAD v4.1: 1 of 1,614,136 alleles (0.000062%); highest among the groups gnomAD compares: African/African-American, 0.0013%; no homozygotes.

Submission:

PreventionGenetics, part of Exact Sciences
Classification: Uncertain significance for TRMU-related condition. Last evaluated: 2025-12-21. Review status: criteria provided, single submitter. Criteria: ACMG Guidelines, 2015. Collection method: clinical testing. Allele origin: germline.
Comment: The TRMU c.110A>C variant is predicted to result in the amino acid substitution p.Lys37Thr. To our knowledge, this variant has not been reported in the literature. This variant is reported in 0.011% of alleles in individuals of African descent in gnomAD. At this time, the clinical significance of this variant is uncertain due to the absence of conclusive functional and genetic evidence.

NM_018006.5(TRMU):c.110A>C (p.Lys37Thr)

Gene: TRMU (tRNA mitochondrial 2-thiouridylase; plus strand). Cytogenetic location: 22q13.31.
Variant type: single nucleotide variant.
Coding change: c.110A>C on transcript NM_018006.5 (MANE Select); coding-DNA position 110, A replaced by C.
Protein change: p.Lys37Thr; replaces lysine 37 with threonine.
Molecular consequence: missense variant. On other transcripts: 5 prime UTR variant (3), non-coding transcript variant (2).
Genome position (GRCh38, 1-based): chr22:46,337,806, A>C. VCF-style: chr22-46337806-A-C. GRCh37 (hg19) VCF-style: chr22-46733703-A-C.
Other names: c.-126A>C (NM_001282782.2); c.-145A>C (NM_001282783.2, NM_001282784.2); c.110A>C, p.Lys37Thr (NM_001282785.2); short protein forms K37T.
Identifiers: ClinVar variation 4977507 (VCV004977507.1).